The following is an entry in ClinVar:

NM_017909.4(RMND1):c.1209T>C (p.Asn403=)

Gene: RMND1 (required for meiotic nuclear division 1 homolog; minus strand). Cytogenetic location: 6q25.1.
Variant type: single nucleotide variant.
Coding change: c.1209T>C on transcript NM_017909.4 (MANE Select); coding-DNA position 1209, T replaced by C.
Protein change: p.Asn403=; no amino-acid change (asparagine 403 retained).
Molecular consequence: synonymous variant.
Genome position (GRCh38, 1-based): chr6:151,405,828, A>G on the plus strand (T>C on the coding strand, the complement: RMND1 is on the minus strand). VCF-style: chr6-151405828-A-G. GRCh37 (hg19) VCF-style: chr6-151726963-A-G.
Other names: c.699T>C, p.Asn233= (NM_001271937.2).
Identifiers: ClinVar variation 714404 (VCV000714404.43), dbSNP rs75177593, ClinGen allele CA4050747.
Genomic context (GRCh38, chr6:151,405,828, plus strand): 5'-CTTCTCATTCAGGTGATTCCGCATTAGATCTGTTAGTTCCATGCAGTGCTGAAGTTTTTC[A>G]TTCATGACCTATGTAAGAAAAATTTCAGTAACATGTATTTAAACAATTTAATACGGTCAT-3'
Protein context (NP_060379.2, residues 393-413): LSIGRRVKVM[Asn403=]EKLQHCMELT

ClinVar aggregate classification (germline): Benign/Likely benign. Review status: criteria provided, multiple submitters, no conflicts (2 of 4 stars). 8 submissions from 8 submitters: Benign (1); Likely benign (5). 2 of the submissions do not count toward it. Last evaluated 2026-01-15.

Conditions:
RMND1-related disorder. Also called: RMND1-related condition.
Combined oxidative phosphorylation defect type 11. Also called: ENCEPHALONEUROMYOPATHY, INFANTILE, DUE TO MITOCHONDRIAL TRANSLATION DEFECT; Combined oxidative phosphorylation deficiency 11. Identifiers: Orphanet 324535, MedGen C5190991, MONDO:0013969, OMIM 614922.

Allele frequency attached by ClinVar (database versions not stated): 1000 Genomes Project 0.00040; 1000 Genomes Project 30x 0.00047; ExAC 0.00064; gnomAD exomes 0.00075 and 0.00129; TOPMed 0.00090; gnomAD 0.00102 and 0.00108; ESP Exome Variant Server 0.00108.
gnomAD v4.1: 2,002 of 1,590,102 alleles (0.13%); highest among the groups gnomAD compares: Non-Finnish European, 0.16%; 2 homozygotes.

Submissions (8):

Labcorp Genetics (formerly Invitae), Labcorp
Classification: Likely benign. Last evaluated: 2026-01-15. Review status: criteria provided, single submitter. Criteria: Invitae Variant Classification Sherloc (09022015). Collection method: clinical testing. Allele origin: germline.

PreventionGenetics, part of Exact Sciences
Classification: Likely benign for RMND1-related condition. Last evaluated: 2025-01-23. Review status: criteria provided, single submitter. Criteria: ACMG Guidelines, 2015. Collection method: clinical testing. Allele origin: germline.
Comment: This variant is classified as likely benign based on ACMG/AMP sequence variant interpretation guidelines (Richards et al. 2015 PMID: 25741868, with internal and published modifications).

Blueprint Genetics
Classification: Likely benign. Last evaluated: 2024-11-01. Review status: criteria provided, single submitter. Criteria: ACMG Guidelines, 2015. Collection method: clinical testing. Allele origin: germline.

CeGaT Center for Human Genetics Tuebingen
Classification: Likely benign. Last evaluated: 2023-03-01. Review status: criteria provided, single submitter. Criteria: CeGaT Center For Human Genetics Tuebingen Variant Classification Criteria Version 2. Collection method: clinical testing. Allele origin: germline. Affected: yes. Observed: 1 variant allele.
Comment: RMND1: BP4, BP7

Fulgent Genetics
Classification: Likely benign for Combined oxidative phosphorylation defect type 11. Last evaluated: 2021-10-30. Review status: criteria provided, single submitter. Criteria: ACMG Guidelines, 2015. Collection method: clinical testing. Allele origin: unknown.

GeneDx
Classification: Benign. Last evaluated: 2015-03-03. Review status: criteria provided, single submitter. Criteria: GeneDx Variant Classification Process June 2021. Collection method: clinical testing. Allele origin: germline. Affected: yes.

Clinical Genetics DNA and cytogenetics Diagnostics Lab, Erasmus MC, Erasmus Medical Center
Classification: Likely benign. Review status: no assertion criteria provided. Collection method: clinical testing. Allele origin: germline. Affected: yes. Study: VKGL Data-share Consensus. Not counted in ClinVar's aggregate classification.

Genome Diagnostics Laboratory, University Medical Center Utrecht
Classification: Likely benign. Review status: no assertion criteria provided. Collection method: clinical testing. Allele origin: germline. Affected: yes. Study: VKGL Data-share Consensus. Not counted in ClinVar's aggregate classification.